The following is an entry in ClinVar:

ClinVar aggregate classification (germline): Uncertain significance (1 of 4 stars; one submission).

Conditions:
Primary ciliary dyskinesia. Also called: Ciliary dyskinesia. Identifiers: Orphanet 244, MedGen C0008780, MONDO:0016575, HP:0012265.

Allele frequency attached by ClinVar (database versions not stated): TOPMed below 0.00001; gnomAD 0.00001; gnomAD exomes 0.00001.

Submission:

Labcorp Genetics (formerly Invitae), Labcorp
Classification: Uncertain significance for Primary ciliary dyskinesia. Last evaluated: 2023-10-22. Review status: criteria provided, single submitter. Criteria: Invitae Variant Classification Sherloc (09022015). Collection method: clinical testing. Allele origin: germline.
Comment: This sequence change replaces proline, which is neutral and non-polar, with alanine, which is neutral and non-polar, at codon 159 of the MCIDAS protein (p.Pro159Ala). This variant is present in population databases (no rsID available, gnomAD 0.01%). This variant has not been reported in the literature in individuals affected with MCIDAS-related conditions. ClinVar contains an entry for this variant (Variation ID: 661152). Advanced modeling of protein sequence and biophysical properties (such as structural, functional, and spatial information, amino acid conservation, physicochemical variation, residue mobility, and thermodynamic stability) performed at Invitae indicates that this missense variant is not expected to disrupt MCIDAS protein function with a negative predictive value of 80%. In summary, the available evidence is currently insufficient to determine the role of this variant in disease. Therefore, it has been classified as a Variant of Uncertain Significance.

NM_001190787.3(MCIDAS):c.475C>G (p.Pro159Ala)

Gene: MCIDAS (multiciliate differentiation and DNA synthesis associated cell cycle protein; minus strand). Cytogenetic location: 5q11.2.
Variant type: single nucleotide variant.
Coding change: c.475C>G on transcript NM_001190787.3 (MANE Select); coding-DNA position 475, C replaced by G.
Protein change: p.Pro159Ala; replaces proline 159 with alanine.
Molecular consequence: missense variant.
Genome position (GRCh38, 1-based): chr5:55,222,307, G>C on the plus strand (C>G on the coding strand, the complement: MCIDAS is on the minus strand). VCF-style: chr5-55222307-G-C. GRCh37 (hg19) VCF-style: chr5-54518135-G-C.
Other names: short protein forms P159A.
Identifiers: ClinVar variation 661152 (VCV000661152.7), dbSNP rs1439093107, ClinGen allele CA359732686.